The following is an entry in ClinVar:

ClinVar aggregate classification (germline): Conflicting classifications of pathogenicity. Review status: criteria provided, conflicting classifications (1 of 4 stars). 5 submissions from 5 submitters: Uncertain significance (4); Likely benign (1). Last evaluated 2026-01-22.

Conditions:
Inborn genetic diseases. Identifiers: MedGen C0950123, MeSH D030342.
Lethal multiple pterygium syndrome (LMPS). Identifiers: Orphanet 33108, MedGen C1854678, MONDO:0009668, OMIM 253290.

Allele frequency attached by ClinVar (database versions not stated): gnomAD exomes 0.00005 and 0.00012; 1000 Genomes Project 30x 0.00016; ExAC 0.00016; 1000 Genomes Project 0.00020; TOPMed 0.00029; ESP Exome Variant Server 0.00031; gnomAD 0.00031 and 0.00035.
gnomAD v4.1: 123 of 1,614,070 alleles (0.0076%); highest among the groups gnomAD compares: African/African-American, 0.1%; no homozygotes.

Submissions (5):

Labcorp Genetics (formerly Invitae), Labcorp
Classification: Likely benign for Lethal multiple pterygium syndrome. Last evaluated: 2026-01-22. Review status: criteria provided, single submitter. Criteria: Invitae Variant Classification Sherloc (09022015). Collection method: clinical testing. Allele origin: germline.

Ambry Genetics
Classification: Uncertain significance for Inborn genetic diseases. Last evaluated: 2023-10-17. Review status: criteria provided, single submitter. Criteria: Ambry Variant Classification Scheme 2023. Collection method: clinical testing. Allele origin: germline.

Revvity Omics, Revvity
Classification: Uncertain significance. Last evaluated: 2019-11-24. Review status: criteria provided, single submitter. Criteria: ACMG Guidelines, 2015. Collection method: clinical testing. Allele origin: germline.

GeneDx
Classification: Uncertain significance. Last evaluated: 2016-12-02. Review status: criteria provided, single submitter. Criteria: GeneDx Variant Classification (06012015). Collection method: clinical testing. Allele origin: germline. Affected: yes.
Comment: The G316S variant in the CHRND gene has not been reported previously as a pathogenic variant, nor as a benign variant, to our knowledge. The G316S variant was not observed at any significant frequency in approximately 6500 individuals of European and African American ancestry in the NHLBI Exome Sequencing Project, indicating it is not a common benign variant in these populations. The G316S variant is a non-conservative amino acid substitution, which is likely to impact secondary protein structure as these residues differ in polarity, charge, size and/or other properties. This substitution occurs at a position that is conserved in mammals. In silico analysis is inconsistent in its predictions as to whether or not the variant is damaging to the protein structure/function. We interpret G316S as a variant of uncertain significance.

Genetic Services Laboratory, University of Chicago
Classification: Uncertain significance. Last evaluated: 2015-11-11. Review status: criteria provided, single submitter. Criteria: ACMG Guidelines, 2015. Collection method: clinical testing. Allele origin: germline. Affected: no.

NM_000751.3(CHRND):c.946G>A (p.Gly316Ser)

Gene: CHRND (cholinergic receptor nicotinic delta subunit; plus strand). Cytogenetic location: 2q37.1.
Variant type: single nucleotide variant.
Coding change: c.946G>A on transcript NM_000751.3 (MANE Select); coding-DNA position 946, G replaced by A.
Protein change: p.Gly316Ser; replaces glycine 316 with serine.
Molecular consequence: missense variant.
Genome position (GRCh38, 1-based): chr2:232,531,555, G>A. VCF-style: chr2-232531555-G-A. GRCh37 (hg19) VCF-style: chr2-233396265-G-A.
Other names: c.901G>A, p.Gly301Ser (NM_001256657.2); c.364G>A, p.Gly122Ser (NM_001311195.2); c.643G>A, p.Gly215Ser (NM_001311196.2); c.946G>A (NM_000751.1); short protein forms G316S, G301S, G122S, G215S.
Identifiers: ClinVar variation 373561 (VCV000373561.19), dbSNP rs139190636, ClinGen allele CA2168214.
Genomic context (GRCh38, chr2:232,531,555, plus strand): 5'-CTTGCCAGCCCAGCCCTGGGAGCTCCAAGCTGAGTGTTTGCCCACAGGTTCCTGCTCTTC[G>A]GCATGGTGCTGGTCACCATGGTTGTGGTGATCTGTGTCATCGTGCTCAACATCCACTTCC-3'
Protein context (NP_000742.1, residues 306-326): IPLIGKFLLF[Gly316Ser]MVLVTMVVVI